The following is an entry in ClinVar:

NM_005356.5(LCK):c.725G>A (p.Arg242Lys)

Gene: LCK (LCK proto-oncogene, Src family tyrosine kinase; plus strand). Cytogenetic location: 1p35.2.
Variant type: single nucleotide variant.
Coding change: c.725G>A on transcript NM_005356.5 (MANE Select); coding-DNA position 725, G replaced by A.
Protein change: p.Arg242Lys; replaces arginine 242 with lysine.
Molecular consequence: missense variant. On other transcripts: intron variant (1).
Genome position (GRCh38, 1-based): chr1:32,276,430, G>A. VCF-style: chr1-32276430-G-A. GRCh37 (hg19) VCF-style: chr1-32742031-G-A.
Other names: c.725G>A, p.Arg242Lys (NM_001042771.3); c.632-177G>A (NM_001330468.2); short protein forms R242K.
Identifiers: ClinVar variation 2000004 (VCV002000004.4), dbSNP rs2521665450, ClinGen allele CA339639058.

ClinVar aggregate classification (germline): Uncertain significance (1 of 4 stars; one submission).

Conditions:
Severe combined immunodeficiency due to LCK deficiency. Also called: Immunodeficiency 22. Identifiers: Orphanet 280142, MedGen C4014233, MONDO:0014334, OMIM 615758.

gnomAD v4.1: 1 of 1,612,870 alleles (0.000062%); highest among the groups gnomAD compares: Non-Finnish European, 0.000085%; no homozygotes.

Submission:

Labcorp Genetics (formerly Invitae), Labcorp
Classification: Uncertain significance for Severe combined immunodeficiency due to LCK deficiency. Last evaluated: 2022-05-28. Review status: criteria provided, single submitter. Criteria: Invitae Variant Classification Sherloc (09022015). Collection method: clinical testing. Allele origin: germline.
Comment: Algorithms developed to predict the effect of missense changes on protein structure and function (SIFT, PolyPhen-2, Align-GVGD) all suggest that this variant is likely to be disruptive. In summary, the available evidence is currently insufficient to determine the role of this variant in disease. Therefore, it has been classified as a Variant of Uncertain Significance. This sequence change replaces arginine, which is basic and polar, with lysine, which is basic and polar, at codon 242 of the LCK protein (p.Arg242Lys). This variant is not present in population databases (gnomAD no frequency). This variant has not been reported in the literature in individuals affected with LCK-related conditions.